The following is an entry in ClinVar:

ClinVar aggregate classification (germline): Uncertain significance. Review status: criteria provided, multiple submitters, no conflicts (2 of 4 stars). 2 submissions from 2 submitters: Uncertain significance (2). Last evaluated 2026-03-01.

Conditions:
Regional enteritis. Also called: Enteritis, Granulomatous. Identifiers: MedGen C0678202, MeSH D003424.
Blau syndrome (BLAUS). Also called: ARTHROCUTANEOUVEAL GRANULOMATOSIS; JABS SYNDROME; GRANULOMATOSIS, FAMILIAL JUVENILE SYSTEMIC; GRANULOMATOSIS, FAMILIAL, BLAU TYPE; GRANULOMATOUS INFLAMMATORY ARTHRITIS, DERMATITIS, AND UVEITIS, FAMILIAL. Identifiers: Orphanet 90340, MedGen C5201146, MONDO:0008523, OMIM 186580.
Inflammatory bowel disease 1 (IBD1). Also called: Inflammatory bowel disease 1, Crohn disease; INFLAMMATORY BOWEL DISEASE (CROHN DISEASE) 1. Identifiers: MedGen CN260071, MONDO:0009960, OMIM 266600.

Allele frequency attached by ClinVar (database versions not stated): gnomAD 0.00003; ESP Exome Variant Server 0.00008; TOPMed 0.00009.
gnomAD v4.1: 92 of 1,614,012 alleles (0.0057%); highest among the groups gnomAD compares: Middle Eastern, 0.016%; no homozygotes.

Submissions (2):

CeGaT Center for Human Genetics Tuebingen
Classification: Uncertain significance. Last evaluated: 2026-03-01. Review status: criteria provided, single submitter. Criteria: CeGaT Center For Human Genetics Tuebingen Variant Classification Criteria Version 2. Collection method: clinical testing. Allele origin: germline. Affected: yes. Observed: 1 variant allele.

Labcorp Genetics (formerly Invitae), Labcorp
Classification: Uncertain significance for Regional enteritis; Blau syndrome. Last evaluated: 2025-10-26. Review status: criteria provided, single submitter. Criteria: Invitae Variant Classification Sherloc (09022015). Collection method: clinical testing. Allele origin: germline.
Comment: This sequence change replaces leucine, which is neutral and non-polar, with proline, which is neutral and non-polar, at codon 343 of the NOD2 protein (p.Leu343Pro). This variant is present in population databases (rs369732140, gnomAD 0.01%). This variant has not been reported in the literature in individuals affected with NOD2-related conditions. ClinVar contains an entry for this variant (Variation ID: 581599). Invitae Evidence Modeling of protein sequence and biophysical properties (such as structural, functional, and spatial information, amino acid conservation, physicochemical variation, residue mobility, and thermodynamic stability) has been performed for this missense variant. However, the output from this modeling did not meet the statistical confidence thresholds required to predict the impact of this variant on NOD2 protein function. In summary, the available evidence is currently insufficient to determine the role of this variant in disease. Therefore, it has been classified as a Variant of Uncertain Significance.

NM_001370466.1(NOD2):c.947T>C (p.Leu316Pro)

Gene: NOD2 (nucleotide binding oligomerization domain containing 2; plus strand). Cytogenetic location: 16q12.1.
Variant type: single nucleotide variant.
Coding change: c.947T>C on transcript NM_001370466.1 (MANE Select); coding-DNA position 947, T replaced by C.
Protein change: p.Leu316Pro; replaces leucine 316 with proline.
Molecular consequence: missense variant. On other transcripts: non-coding transcript variant (1).
Genome position (GRCh38, 1-based): chr16:50,710,939, T>C. VCF-style: chr16-50710939-T-C. GRCh37 (hg19) VCF-style: chr16-50744850-T-C.
Other names: c.947T>C, p.Leu316Pro (NM_001293557.2); c.1028T>C, p.Leu343Pro (NM_022162.3); short protein forms L343P, L316P.
Identifiers: ClinVar variation 581599 (VCV000581599.18), dbSNP rs369732140, ClinGen allele CA8051442.